The following is an entry in ClinVar:

ClinVar aggregate classification (germline): Likely benign. Review status: criteria provided, multiple submitters, no conflicts (2 of 4 stars). 4 submissions from 4 submitters: Likely benign (4). Last evaluated 2025-07-07.

Conditions:
RECQL4-related disorder. Also called: RECQL4-related condition; RECQL4-related disorders.
Inborn genetic diseases. Identifiers: MedGen C0950123, MeSH D030342.
Baller-Gerold syndrome (BGS). Also called: CRANIOSYNOSTOSIS WITH RADIAL DEFECTS. Identifiers: Orphanet 1225, MedGen C0265308, MONDO:0009039, OMIM 218600.

Allele frequency attached by ClinVar (database versions not stated): gnomAD 0.00006 and 0.00005; gnomAD exomes 0.00010 and 0.00004; ESP Exome Variant Server 0.00016; ExAC 0.00003; TOPMed 0.00003.
gnomAD v4.1: 148 of 1,611,978 alleles (0.0092%); highest among the groups gnomAD compares: Non-Finnish European, 0.012%; 1 homozygote.

Submissions (4):

Labcorp Genetics (formerly Invitae), Labcorp
Classification: Likely benign for Baller-Gerold syndrome. Last evaluated: 2025-07-07. Review status: criteria provided, single submitter. Criteria: Invitae Variant Classification Sherloc (09022015). Collection method: clinical testing. Allele origin: germline.

PreventionGenetics, part of Exact Sciences
Classification: Likely benign for RECQL4-related condition. Last evaluated: 2024-12-03. Review status: criteria provided, single submitter. Criteria: ACMG Guidelines, 2015. Collection method: clinical testing. Allele origin: germline.
Comment: This variant is classified as likely benign based on ACMG/AMP sequence variant interpretation guidelines (Richards et al. 2015 PMID: 25741868, with internal and published modifications).

Ambry Genetics
Classification: Likely benign for Inborn genetic diseases. Last evaluated: 2024-11-18. Review status: criteria provided, single submitter. Criteria: Ambry Variant Classification Scheme 2023. Collection method: clinical testing. Allele origin: germline.

Blueprint Genetics
Classification: Likely benign. Last evaluated: 2024-03-07. Review status: criteria provided, single submitter. Criteria: ACMG Guidelines, 2015. Collection method: clinical testing. Allele origin: germline.

NM_004260.4(RECQL4):c.1696C>T (p.Leu566=)

Gene: RECQL4 (RecQ like helicase 4; minus strand). Cytogenetic location: 8q24.3.
Variant type: single nucleotide variant.
Coding change: c.1696C>T on transcript NM_004260.4 (MANE Select); coding-DNA position 1696, C replaced by T.
Protein change: p.Leu566=; no amino-acid change (leucine 566 retained).
Molecular consequence: synonymous variant.
Genome position (GRCh38, 1-based): chr8:144,514,450, G>A on the plus strand (C>T on the coding strand, the complement: RECQL4 is on the minus strand). VCF-style: chr8-144514450-G-A. GRCh37 (hg19) VCF-style: chr8-145739834-G-A.
Identifiers: ClinVar variation 239702 (VCV000239702.13), dbSNP rs371981215, ClinGen allele CA4948714.
Genomic context (GRCh38, chr8:144,514,450, plus strand): 5'-CCCAGGTGCCCGCCCGCTGCCTCCCTCACCCCTAGGCCCATGAGGCCCCCACCTTCTGCA[G>A]GACAGATTCCCGTTGCTTCCTGGTCATGCCCGAGTGTATGCAGGCCGCCTTGAGACACGG-3'
Protein context (NP_004251.4, residues 556-576): GMTRKQRESV[Leu566=]QKIRAAQVHV